The following is an entry in ClinVar:

NM_000392.5(ABCC2):c.1968-1G>C

Gene: ABCC2 (ATP binding cassette subfamily C member 2; plus strand). Cytogenetic location: 10q24.2.
Variant type: single nucleotide variant.
Coding change: c.1968-1G>C on transcript NM_000392.5 (MANE Select); the canonical splice acceptor site of the intron before coding-DNA position 1968, G replaced by C.
Molecular consequence: splice acceptor variant.
Genome position (GRCh38, 1-based): chr10:99,813,017, G>C. VCF-style: chr10-99813017-G-C. GRCh37 (hg19) VCF-style: chr10-101572774-G-C.
Identifiers: ClinVar variation 596854 (VCV000596854.8), dbSNP rs756707816, ClinGen allele CA378113836.
Genomic context (GRCh38, chr10:99,813,017, plus strand): 5'-TTGAACTACTCTTCAATACCCAACCCCTGCTATCTCCTTCAAAGACATTCCTGTCTTTCA[G>C]TGTGAACCTGGACATTATGGCAGGCCAACTTGTGGCTGTGATAGGCCCTGTCGGCTCTGG-3'

ClinVar aggregate classification (germline): Pathogenic/Likely pathogenic. Review status: criteria provided, multiple submitters, no conflicts (2 of 4 stars). 2 submissions from 2 submitters: Pathogenic (1); Likely pathogenic (1). Last evaluated 2025-08-18.

gnomAD v4.1: 5 of 1,613,686 alleles (0.00031%); highest among the groups gnomAD compares: Admixed American, 0.005%; no homozygotes.

Submissions (2):

Labcorp Genetics (formerly Invitae), Labcorp
Classification: Likely pathogenic. Last evaluated: 2025-08-18. Review status: criteria provided, single submitter. Criteria: Invitae Variant Classification Sherloc (09022015). Collection method: clinical testing. Allele origin: germline.
Comment: This sequence change affects an acceptor splice site in intron 15 of the ABCC2 gene. It is expected to disrupt RNA splicing. Variants that disrupt the donor or acceptor splice site typically lead to a loss of protein function (PMID: 16199547), and loss-of-function variants in ABCC2 are known to be pathogenic (PMID: 9185779, 16549534, 16952291). This variant is not present in population databases (gnomAD no frequency). This variant has not been reported in the literature in individuals affected with ABCC2-related conditions. ClinVar contains an entry for this variant (Variation ID: 596854). Algorithms developed to predict the effect of sequence changes on RNA splicing suggest that this variant may disrupt the consensus splice site. In summary, the currently available evidence indicates that the variant is pathogenic, but additional data are needed to prove that conclusively. Therefore, this variant has been classified as Likely Pathogenic.

Eurofins Ntd Llc (ga)
Classification: Pathogenic. Last evaluated: 2018-04-12. Review status: criteria provided, single submitter. Criteria: EGL ClinVar v180209 classification definitions. Collection method: clinical testing. Allele origin: germline. Observed: 2 variant alleles, 2 heterozygotes.

Literature cited by the submitters: PubMed 16199547 (cited by Labcorp Genetics (formerly Invitae), Labcorp); PubMed 9185779 (cited by Labcorp Genetics (formerly Invitae), Labcorp); PubMed 16549534 (cited by Labcorp Genetics (formerly Invitae), Labcorp); PubMed 16952291 (cited by Labcorp Genetics (formerly Invitae), Labcorp).